The following is an entry in ClinVar:

ClinVar aggregate classification (germline): Pathogenic (1 of 4 stars; one submission).

Conditions:
Familial hemophagocytic lymphohistiocytosis 3 (FHL3). Also called: UNC13D-Related Familial Hemophagocytic Lymphohistiocytosis (UNC13D-fHLH). Identifiers: Orphanet 540, MedGen C1837174, MONDO:0012146, OMIM 608898.

Submission:

Labcorp Genetics (formerly Invitae), Labcorp
Classification: Pathogenic for Familial hemophagocytic lymphohistiocytosis 3. Last evaluated: 2018-06-20. Review status: criteria provided, single submitter. Criteria: Invitae Variant Classification Sherloc (09022015). Collection method: clinical testing. Allele origin: germline.
Comment: For these reasons, this variant has been classified as Pathogenic. Loss-of-function variants in UNC13D are known to be pathogenic (PMID: 14622600). This variant has not been reported in the literature in individuals with UNC13D-related disease. This variant is not present in population databases (ExAC no frequency). This sequence change creates a premature translational stop signal (p.Glu765*) in the UNC13D gene. It is expected to result in an absent or disrupted protein product.

Literature cited by the submitters: PubMed 14622600.

NM_199242.3(UNC13D):c.2293G>T (p.Glu765Ter)

Gene: UNC13D (unc-13 homolog D; minus strand). Cytogenetic location: 17q25.1.
Variant type: single nucleotide variant.
Coding change: c.2293G>T on transcript NM_199242.3 (MANE Select); coding-DNA position 2293, G replaced by T.
Protein change: p.Glu765Ter; replaces glutamic acid 765 with a stop codon.
Molecular consequence: nonsense.
Genome position (GRCh38, 1-based): chr17:75,834,330, C>A on the plus strand (G>T on the coding strand, the complement: UNC13D is on the minus strand). VCF-style: chr17-75834330-C-A. GRCh37 (hg19) VCF-style: chr17-73830411-C-A.
Other names: short protein forms E765*.
Identifiers: ClinVar variation 580834 (VCV000580834.6), dbSNP rs763117746, ClinGen allele CA401087979.